The following is an entry in ClinVar:

ClinVar aggregate classification (germline): Uncertain significance. Review status: criteria provided, multiple submitters, no conflicts (2 of 4 stars). 2 submissions from 2 submitters: Uncertain significance (2). Last evaluated 2024-07-16.

Conditions:
Catecholaminergic polymorphic ventricular tachycardia 1. Also called: VENTRICULAR TACHYCARDIA, CATECHOLAMINERGIC POLYMORPHIC, 1, WITH OR WITHOUT ATRIAL DYSFUNCTION AND/OR DILATED CARDIOMYOPATHY; VENTRICULAR TACHYCARDIA, STRESS-INDUCED POLYMORPHIC 1; RYR2-Related Catecholaminergic Polymorphic Ventricular Tachycardia. Identifiers: Orphanet 3286, MedGen C1631597, MONDO:0011484, OMIM 604772.
Cardiovascular phenotype. Identifiers: MedGen CN230736.

Submissions (2):

Labcorp Genetics (formerly Invitae), Labcorp
Classification: Uncertain significance for Catecholaminergic polymorphic ventricular tachycardia 1. Last evaluated: 2024-07-16. Review status: criteria provided, single submitter. Criteria: Invitae Variant Classification Sherloc (09022015). Collection method: clinical testing. Allele origin: germline.
Comment: This sequence change replaces glutamic acid, which is acidic and polar, with valine, which is neutral and non-polar, at codon 1724 of the RYR2 protein (p.Glu1724Val). This variant is not present in population databases (gnomAD no frequency). This variant has not been reported in the literature in individuals affected with RYR2-related conditions. ClinVar contains an entry for this variant (Variation ID: 1745804). Advanced modeling of protein sequence and biophysical properties (such as structural, functional, and spatial information, amino acid conservation, physicochemical variation, residue mobility, and thermodynamic stability) has been performed at Invitae for this missense variant, however the output from this modeling did not meet the statistical confidence thresholds required to predict the impact of this variant on RYR2 protein function. This variant disrupts the p.Glu1724 amino acid residue in RYR2. Other variant(s) that disrupt this residue have been determined to be pathogenic (PMID: 16272262, 22787013, 26114861, 28237968, 29032884). This suggests that this residue is clinically significant, and that variants that disrupt this residue are likely to be disease-causing. In summary, the available evidence is currently insufficient to determine the role of this variant in disease. Therefore, it has been classified as a Variant of Uncertain Significance.

Ambry Genetics
Classification: Uncertain significance for Cardiovascular phenotype. Last evaluated: 2018-11-26. Review status: criteria provided, single submitter. Criteria: Ambry Variant Classification Scheme 2023. Collection method: clinical testing. Allele origin: germline.
Comment: The p.E1724V variant (also known as c.5171A>T), located in coding exon 37 of the RYR2 gene, results from an A to T substitution at nucleotide position 5171. The glutamic acid at codon 1724 is replaced by valine, an amino acid with dissimilar properties. An alternate amino acid substitution, p.E1724K c.5170G>A has been detected in individuals with catecholaminergic polymorphic ventricular tachycardia (CPVT), and was reported to segregate with symptoms in an additional relative in two families (Postma AV et al. J. Med. Genet., 2005 Nov;42:863-70; Ohno S et al. PLoS ONE, 2015 Jun;10:e0131517; Kawata H et al. Circ. J., 2016 Aug;80:1907-15). This amino acid position is highly conserved in available vertebrate species. In addition, this alteration is predicted to be deleterious by in silico analysis. Since supporting evidence is limited at this time, the clinical significance of this alteration remains unclear.

Literature cited by the submitters: PubMed 16272262 (cited by Labcorp Genetics (formerly Invitae), Labcorp); PubMed 22787013 (cited by Labcorp Genetics (formerly Invitae), Labcorp); PubMed 26114861 (cited by Labcorp Genetics (formerly Invitae), Labcorp); PubMed 28237968 (cited by Labcorp Genetics (formerly Invitae), Labcorp); PubMed 29032884 (cited by Labcorp Genetics (formerly Invitae), Labcorp).

NM_001035.3(RYR2):c.5171A>T (p.Glu1724Val)

Gene: RYR2 (ryanodine receptor 2; plus strand). Cytogenetic location: 1q43.
Variant type: single nucleotide variant.
Coding change: c.5171A>T on transcript NM_001035.3 (MANE Select); coding-DNA position 5171, A replaced by T.
Protein change: p.Glu1724Val; replaces glutamic acid 1724 with valine.
Molecular consequence: missense variant.
Genome position (GRCh38, 1-based): chr1:237,614,299, A>T. VCF-style: chr1-237614299-A-T. GRCh37 (hg19) VCF-style: chr1-237777599-A-T.
Other names: short protein forms E1724V.
Identifiers: ClinVar variation 1745804 (VCV001745804.4), dbSNP rs2546792498, ClinGen allele CA345404171.
Genomic context (GRCh38, chr1:237,614,299, plus strand): 5'-ACCTGCTGATTGACATCCACCTGAGCTCCTATGCCACTGCCAGGCTCATGATGAACAACG[A>T]GTACATTGTCCCCATGACGGAGGAGACGAAGAGCATCACCCTGTTCCCTGATGAGAACAA-3'
Protein context (NP_001026.2, residues 1714-1734): YATARLMMNN[Glu1724Val]YIVPMTEETK